The following is an entry in ClinVar:

NM_024426.6(WT1):c.*1209A>G

Gene: WT1 (WT1 transcription factor; minus strand). Cytogenetic location: 11p13.
Variant type: single nucleotide variant.
Coding change: c.*1209A>G on transcript NM_024426.6 (MANE Select); 1209 bases downstream of the stop codon, A replaced by G.
Molecular consequence: 3 prime UTR variant. On other transcripts: non-coding transcript variant (1).
Genome position (GRCh38, 1-based): chr11:32,387,849, T>C on the plus strand (A>G on the coding strand, the complement: WT1 is on the minus strand). VCF-style: chr11-32387849-T-C. GRCh37 (hg19) VCF-style: chr11-32409395-T-C.
Other names: c.*1209A>G (NM_000378.6, NM_001198551.2, NM_001198552.2 and 11 more transcripts).
Identifiers: ClinVar variation 304372 (VCV000304372.6), dbSNP rs5030329, ClinGen allele CA10638935.
Genomic context (GRCh38, chr11:32,387,849, plus strand): 5'-GACTTTAATTGAGAGCAAAGTGAAAAATGCAGGTTACAATTTTAAGTGTTATCATCAATA[T>C]CTTGTAAGATCAACACCCAGTGATGCATCTAGTACTTATACAGTCCTAATTTTAGTTGTC-3'

ClinVar aggregate classification (germline): Benign/Likely benign. Review status: criteria provided, single submitter (1 of 4 stars). 3 submissions from 1 submitter: Benign (2); Likely benign (1). Last evaluated 2018-01-12.

Conditions:
Nephrotic syndrome, type 4 (NPHS4). Also called: Familial mesangial sclerosis; Nephrotic syndrome, early onset with diffuse mesangial sclerosis. Identifiers: Orphanet 656, MedGen C3151568, MONDO:0009733, OMIM 256370.
Meacham syndrome. Also called: Meacham Winn Culler syndrome. Identifiers: Orphanet 3097, MedGen C1837026, MONDO:0012164, OMIM 608978.
Wilms tumor 1 (WT1). Also called: Wilms tumor, somatic. Identifiers: Orphanet 654, MedGen CN033288, MONDO:0008679, OMIM 194070.

Allele frequency attached by ClinVar (database versions not stated): gnomAD exomes 0.00159; gnomAD 0.00820 and 0.00900; 1000 Genomes Project 0.00859; TOPMed 0.00974; 1000 Genomes Project 30x 0.01031.
gnomAD v4.1: 1,372 of 233,256 alleles (0.59%); highest among the groups gnomAD compares: African/African-American, 2.8%; 19 homozygotes.

Submissions (3):

Illumina Laboratory Services, Illumina
Classification: Benign for Meacham syndrome. Last evaluated: 2018-01-12. Review status: criteria provided, single submitter. Criteria: ICSL Variant Classification Criteria 13 December 2019. Collection method: clinical testing. Allele origin: germline.
Comment: This variant was observed in the ICSL laboratory as part of a predisposition screen in an ostensibly healthy population. It had not been previously curated by ICSL or reported in the Human Gene Mutation Database (HGMD: prior to June 1st, 2018), and was therefore a candidate for classification through an automated scoring system. Utilizing variant allele frequency, disease prevalence and penetrance estimates, and inheritance mode, an automated score was calculated to assess if this variant is too frequent to cause the disease. Based on the score and internal cut-off values, a variant classified as benign is not then subjected to further curation. The score for this variant resulted in a classification of benign for this disease.

Illumina Laboratory Services, Illumina
Classification: Likely benign for Nephrotic syndrome, type 4. Last evaluated: 2018-01-12. Review status: criteria provided, single submitter. Criteria: ICSL Variant Classification Criteria 13 December 2019. Collection method: clinical testing. Allele origin: germline.
Comment: This variant was observed in the ICSL laboratory as part of a predisposition screen in an ostensibly healthy population. It had not been previously curated by ICSL or reported in the Human Gene Mutation Database (HGMD: prior to June 1st, 2018), and was therefore a candidate for classification through an automated scoring system. Utilizing variant allele frequency, disease prevalence and penetrance estimates, and inheritance mode, an automated score was calculated to assess if this variant is too frequent to cause the disease. Based on the score and internal cut-off values, a variant classified as likely benign is not then subjected to further curation. The score for this variant resulted in a classification of likely benign for this disease.

Illumina Laboratory Services, Illumina
Classification: Benign for Wilms tumor 1. Last evaluated: 2018-01-12. Review status: criteria provided, single submitter. Criteria: ICSL Variant Classification Criteria 13 December 2019. Collection method: clinical testing. Allele origin: germline.
Comment: the same text as in the submission from Illumina Laboratory Services, Illumina above.